The following is an entry in ClinVar:

ClinVar aggregate classification (germline): Conflicting classifications of pathogenicity. Review status: criteria provided, conflicting classifications (1 of 4 stars). 4 submissions from 4 submitters: Uncertain significance (1); Likely benign (2). 1 of the submissions does not count toward it. Last evaluated 2026-08-25.

Conditions:
Hereditary breast ovarian cancer syndrome. Also called: Hereditary breast and ovarian cancer; Hereditary breast and/or ovarian cancer syndrome; Breast and ovarian cancer; Hereditary breast and ovarian cancer syndrome; Hereditary breast and ovarian cancer syndrome (HBOC); BRCA1- and BRCA2-Associated Hereditary Breast and Ovarian Cancer. Identifiers: Orphanet 145, MedGen C0677776, MeSH D061325, MONDO:0003582. Disease mechanism: loss of function.
Breast-ovarian cancer, familial, susceptibility to, 2 (BROVCA2). Also called: BRCA2 Hereditary Breast and Ovarian Cancer. Identifiers: Orphanet 145, MedGen C2675520, MONDO:0012933, OMIM 612555. Disease mechanism: loss of function.
Hereditary cancer-predisposing syndrome. Also called: Tumor predisposition; Hereditary Cancer Syndrome; Hereditary neoplastic syndrome; Neoplastic Syndromes, Hereditary. Identifiers: Orphanet 140162, MedGen C0027672, MeSH D009386, MONDO:0015356.
Malignant tumor of urinary bladder. Also called: Bladder cancer; Urinary bladder cancer; Urinary Bladder Neoplasms. Identifiers: MedGen C0005684, MONDO:0001187, OMIM 109800.

Submissions (4):

Ambry Genetics
Classification: Likely benign for Hereditary cancer-predisposing syndrome. Last evaluated: 2026-08-25. Review status: criteria provided, single submitter. Criteria: Ambry Variant Classification Scheme 2023. Collection method: clinical testing. Allele origin: germline.

Dasa
Classification: Uncertain significance for Breast-ovarian cancer, familial, susceptibility to, 2. Last evaluated: 2025-07-11. Review status: criteria provided, single submitter. Criteria: DASA Assertion Criteria. Collection method: clinical testing. Allele origin: germline.
Comment: NM_000059.4(BRCA2):c.10081C>T (p.Gln3361*) is a nonsense variant in BRCA2 predicted to introduce a premature termination codon. This variant is absent from population databases. The currently available literature and clinical evidence are not sufficient to establish a definitive association between this variant and the reported condition. Therefore, this variant is classified as a variant of uncertain significance.

Labcorp Genetics (formerly Invitae), Labcorp
Classification: Likely benign for Hereditary breast ovarian cancer syndrome. Last evaluated: 2022-05-04. Review status: criteria provided, single submitter. Criteria: Invitae Variant Classification Sherloc (09022015). Collection method: clinical testing. Allele origin: germline.

Laboratory of Urology, Hospital Clinic de Barcelona
Classification: Pathogenic for Malignant tumor of urinary bladder. Review status: no assertion criteria provided. Collection method: research. Allele origin: somatic. Affected: yes. Not counted in ClinVar's aggregate classification.

NM_000059.4(BRCA2):c.10081C>T (p.Gln3361Ter)

Gene: BRCA2 (BRCA2 DNA repair associated; plus strand). Cytogenetic location: 13q13.1.
Variant type: single nucleotide variant.
Coding change: c.10081C>T on transcript NM_000059.4 (MANE Select); coding-DNA position 10081, C replaced by T.
Protein change: p.Gln3361Ter; replaces glutamine 3361 with a stop codon.
Molecular consequence: nonsense.
Genome position (GRCh38, 1-based): chr13:32,398,594, C>T. VCF-style: chr13-32398594-C-T. GRCh37 (hg19) VCF-style: chr13-32972731-C-T.
Other names: c.9985C>T, p.Gln3329Ter (NM_001406719.1); c.10030C>T, p.Gln3344Ter (NM_001406720.1); c.5149C>T, p.Gln1717Ter (NM_001406721.1); c.3664C>T, p.Gln1222Ter (NM_001406722.1); short protein forms Q1222*, Q3344*, Q3361*, Q1717*, Q3329*.
Identifiers: ClinVar variation 2124671 (VCV002124671.8), dbSNP rs2137666397, ClinGen allele CA387767931.